The following is an entry in ClinVar:

NM_005826.5(HNRNPR):c.448C>T (p.Pro150Ser)

Gene: HNRNPR (heterogeneous nuclear ribonucleoprotein R; minus strand). Cytogenetic location: 1p36.12.
Variant type: single nucleotide variant.
Coding change: c.448C>T on transcript NM_005826.5 (MANE Select); coding-DNA position 448, C replaced by T.
Protein change: p.Pro150Ser; replaces proline 150 with serine.
Molecular consequence: missense variant. On other transcripts: intron variant (2).
Genome position (GRCh38, 1-based): chr1:23,333,568, G>A on the plus strand (C>T on the coding strand, the complement: HNRNPR is on the minus strand). VCF-style: chr1-23333568-G-A. GRCh37 (hg19) VCF-style: chr1-23660061-G-A.
Other names: c.145C>T, p.Pro49Ser (NM_001102397.3, NM_001102399.3, NM_001297621.2); c.448C>T, p.Pro150Ser (NM_001102398.3); c.81+4186C>T (NM_001297622.2); c.384+4186C>T (NM_001297620.2); short protein forms P150S, P49S.
Identifiers: ClinVar variation 2429094 (VCV002429094.4), dbSNP rs2524260494, ClinGen allele CA338970483.

ClinVar aggregate classification (germline): Uncertain significance (1 of 4 stars; one submission).

Submission:

Greenwood Genetic Center Diagnostic Laboratories, Greenwood Genetic Center
Classification: Uncertain significance. Last evaluated: 2022-11-07. Review status: criteria provided, single submitter. Criteria: ACMG Guidelines, 2015. Collection method: clinical testing. Allele origin: germline. Affected: yes.
Comment: Gene of Uncertain Significance